The following is an entry in ClinVar:

ClinVar aggregate classification (germline): Pathogenic. Review status: reviewed by expert panel (3 of 4 stars). 2 submissions from 2 submitters: Pathogenic (1). 1 of the submissions does not count toward it. Last evaluated 2016-10-18.

Conditions:
Breast-ovarian cancer, familial, susceptibility to, 2 (BROVCA2). Also called: BRCA2 Hereditary Breast and Ovarian Cancer. Identifiers: Orphanet 145, MedGen C2675520, MONDO:0012933, OMIM 612555. Disease mechanism: loss of function.

Submissions (2):

Evidence-based Network for the Interpretation of Germline Mutant Alleles (ENIGMA)
Classification: Pathogenic for Breast-ovarian cancer, familial, susceptibility to, 2. Last evaluated: 2016-10-18. Review status: reviewed by expert panel. Criteria: ENIGMA BRCA1/2 Classification Criteria (2015). Collection method: curation. Allele origin: germline.
Comment: Variant allele predicted to encode a truncated non-functional protein.

Consortium of Investigators of Modifiers of BRCA1/2 (CIMBA), c/o University of Cambridge
Classification: Pathogenic for Breast-ovarian cancer, familial, susceptibility to, 2. Last evaluated: 2015-10-02. Review status: criteria provided, single submitter. Criteria: CIMBA Mutation Classification guidelines May 2016. Collection method: clinical testing. Allele origin: germline. Not counted in ClinVar's aggregate classification.

NM_000059.4(BRCA2):c.3978_3979insTTGC (p.Ala1327fs)

Gene: BRCA2 (BRCA2 DNA repair associated; plus strand). Cytogenetic location: 13q13.1.
Variant type: Insertion.
Coding change: c.3978_3979insTTGC on transcript NM_000059.4 (MANE Select); coding-DNA positions 3978 to 3979, TTGC inserted.
Protein change: p.Ala1327fs; shifts the reading frame from alanine 1327.
Molecular consequence: frameshift variant.
Genome position: GRCh38 VCF-style: chr13-32338333-T-TTTGC. GRCh37 (hg19) VCF-style: chr13-32912470-T-TTTGC.
Other names: 4206ins4(STOP1330); short protein forms A1327fs.
Identifiers: ClinVar variation 266786 (VCV000266786.5), dbSNP rs1555283488, ClinGen allele CA10589236.